The following is an entry in ClinVar:

NM_018124.4(RFWD3):c.1042A>G (p.Arg348Gly)

Gene: RFWD3 (ring finger and WD repeat domain 3; minus strand). Cytogenetic location: 16q23.1.
Variant type: single nucleotide variant.
Coding change: c.1042A>G on transcript NM_018124.4 (MANE Select); coding-DNA position 1042, A replaced by G.
Protein change: p.Arg348Gly; replaces arginine 348 with glycine.
Molecular consequence: missense variant.
Genome position (GRCh38, 1-based): chr16:74,644,399, T>C on the plus strand (A>G on the coding strand, the complement: RFWD3 is on the minus strand). VCF-style: chr16-74644399-T-C. GRCh37 (hg19) VCF-style: chr16-74678297-T-C.
Other names: c.1042A>G, p.Arg348Gly (NM_001370534.1, NM_001370535.1, NM_001370536.1); c.208A>G, p.Arg70Gly (NM_001370537.1, NM_001370539.1, NM_001370540.1 and 2 more transcripts); short protein forms R70G, R348G.
Identifiers: ClinVar variation 3632789 (VCV003632789.2).

ClinVar aggregate classification (germline): Uncertain significance (1 of 4 stars; one submission).

Submission:

Labcorp Genetics (formerly Invitae), Labcorp
Classification: Uncertain significance. Last evaluated: 2024-02-13. Review status: criteria provided, single submitter. Criteria: Invitae Variant Classification Sherloc (09022015). Collection method: clinical testing. Allele origin: germline.
Comment: This sequence change replaces arginine, which is basic and polar, with glycine, which is neutral and non-polar, at codon 348 of the RFWD3 protein (p.Arg348Gly). This variant is not present in population databases (gnomAD no frequency). This variant has not been reported in the literature in individuals affected with RFWD3-related conditions. An algorithm developed to predict the effect of missense changes on protein structure and function (PolyPhen-2) suggests that this variant is likely to be tolerated. In summary, the available evidence is currently insufficient to determine the role of this variant in disease. Therefore, it has been classified as a Variant of Uncertain Significance.